The following is an entry in ClinVar:

ClinVar aggregate classification (germline): Pathogenic (1 of 4 stars; one submission).

Conditions:
Partial hypoxanthine-guanine phosphoribosyltransferase deficiency. Also called: HYPOXANTHINE GUANINE PHOSPHORIBOSYLTRANSFERASE 1 DEFICIENCY, PARTIAL; Kelley-Seegmiller Syndrome; HPRT1 DEFICIENCY, PARTIAL; GOUT, HPRT-RELATED; HPRT DEFICIENCY, PARTIAL. Identifiers: Orphanet 79233, MedGen C0268117, MONDO:0010299, OMIM 300323.
Lesch-Nyhan syndrome (LNS). Also called: Lesch-Nyhan Disease (LND); HPRT DEFICIENCY, COMPLETE. Identifiers: Orphanet 510, MedGen C0023374, MONDO:0010298, OMIM 300322.

Submission:

Labcorp Genetics (formerly Invitae), Labcorp
Classification: Pathogenic for Lesch-Nyhan syndrome; Partial hypoxanthine-guanine phosphoribosyltransferase deficiency. Last evaluated: 2022-08-26. Review status: criteria provided, single submitter. Criteria: Invitae Variant Classification Sherloc (09022015). Collection method: clinical testing. Allele origin: germline.
Comment: This variant results in the deletion of part of exon 6 (c.429_485+1489delinsA) of the HPRT1 gene. It is expected to disrupt RNA splicing. Variants that disrupt the donor or acceptor splice site typically lead to a loss of protein function (PMID: 16199547), and loss-of-function variants in HPRT1 are known to be pathogenic (PMID: 15571220, 17027311, 22157001). This variant has not been reported in the literature in individuals affected with HPRT1-related conditions. This variant disrupts a region of the HPRT1 protein in which other variant(s) (p.Ala161Thr) have been determined to be pathogenic (PMID: 19016344, 25136576; Invitae). This suggests that this is a clinically significant region of the protein, and that variants that disrupt it are likely to be disease-causing. For these reasons, this variant has been classified as Pathogenic.

Literature cited by the submitters: PubMed 16199547; PubMed 15571220; PubMed 17027311; PubMed 22157001; PubMed 19016344; PubMed 25136576.

NC_000023.10:g.(?_133627564)_(133629109_?)del

Gene: HPRT1 (hypoxanthine phosphoribosyltransferase 1; plus strand). Cytogenetic location: Xq26.3.
Variant type: Deletion.
Identifiers: ClinVar variation 2422568 (VCV002422568.6).